The following is an entry in ClinVar:

ClinVar aggregate classification (germline): Uncertain significance (1 of 4 stars; one submission).

Conditions:
Amelocerebrohypohidrotic syndrome (KTZS). Also called: EPILEPSY AND YELLOW TEETH; EPILEPSY, DEMENTIA, AND AMELOGENESIS IMPERFECTA; KOHLSCHUTTER SYNDROME; Kohlschutter's syndrome. Identifiers: Orphanet 1946, MedGen C0406740, MONDO:0009185, OMIM 226750.

Allele frequency attached by ClinVar (database versions not stated): TOPMed 0.00002; gnomAD 0.00003.

Submission:

Labcorp Genetics (formerly Invitae), Labcorp
Classification: Uncertain significance for Amelocerebrohypohidrotic syndrome. Last evaluated: 2017-09-10. Review status: criteria provided, single submitter. Criteria: Invitae Variant Classification Sherloc (09022015). Collection method: clinical testing. Allele origin: germline.
Comment: In summary, the available evidence is currently insufficient to determine the role of this variant in disease. Therefore, it has been classified as a Variant of Uncertain Significance. Algorithms developed to predict the effect of missense changes on protein structure and function do not agree on the potential impact of this missense change (SIFT: "Tolerated"; PolyPhen-2: "Probably Damaging"; Align-GVGD: "Class C0"). This variant has not been reported in the literature in individuals with ROGDI-related disease. This variant is present in population databases (rs758414235, ExAC 0.002%). This sequence change replaces arginine with tryptophan at codon 130 of the ROGDI protein (p.Arg130Trp). The arginine residue is moderately conserved and there is a moderate physicochemical difference between arginine and tryptophan.

NM_024589.3(ROGDI):c.388C>T (p.Arg130Trp)

Gene: ROGDI (rogdi atypical leucine zipper; minus strand). Cytogenetic location: 16p13.3.
Variant type: single nucleotide variant.
Coding change: c.388C>T on transcript NM_024589.3 (MANE Select); coding-DNA position 388, C replaced by T.
Protein change: p.Arg130Trp; replaces arginine 130 with tryptophan.
Molecular consequence: missense variant. On other transcripts: non-coding transcript variant (1).
Genome position (GRCh38, 1-based): chr16:4,799,730, G>A on the plus strand (C>T on the coding strand, the complement: ROGDI is on the minus strand). VCF-style: chr16-4799730-G-A. GRCh37 (hg19) VCF-style: chr16-4849731-G-A.
Other names: short protein forms R130W.
Identifiers: ClinVar variation 530799 (VCV000530799.8), dbSNP rs758414235, ClinGen allele CA7882760.